The following is an entry in ClinVar:

NM_002661.5(PLCG2):c.2402A>G (p.Lys801Arg)

Gene: PLCG2 (phospholipase C gamma 2; plus strand). Cytogenetic location: 16q23.3.
Variant type: single nucleotide variant.
Coding change: c.2402A>G on transcript NM_002661.5 (MANE Select); coding-DNA position 2402, A replaced by G.
Protein change: p.Lys801Arg; replaces lysine 801 with arginine.
Molecular consequence: missense variant.
Genome position (GRCh38, 1-based): chr16:81,923,579, A>G. VCF-style: chr16-81923579-A-G. GRCh37 (hg19) VCF-style: chr16-81957184-A-G.
Other names: c.2402A>G, p.Lys801Arg (NM_001425749.1, NM_001425750.1, NM_001425751.1); short protein forms K801R.
Identifiers: ClinVar variation 4732975 (VCV004732975.1).

ClinVar aggregate classification (germline): Uncertain significance (1 of 4 stars; one submission).

Conditions:
Familial cold autoinflammatory syndrome 3 (FCAS3). Also called: FAMILIAL ATYPICAL COLD URTICARIA; ANTIBODY DEFICIENCY AND IMMUNE DYSREGULATION, PLCG2-ASSOCIATED. Identifiers: Orphanet 300359, MedGen C3280914, MONDO:0013766, OMIM 614468.

gnomAD v4.1: 2 of 1,610,986 alleles (0.00012%); highest among the groups gnomAD compares: African/African-American, 0.0013%; no homozygotes.

Submission:

Labcorp Genetics (formerly Invitae), Labcorp
Classification: Uncertain significance for Familial cold autoinflammatory syndrome 3. Last evaluated: 2025-12-19. Review status: criteria provided, single submitter. Criteria: Invitae Variant Classification Sherloc (09022015). Collection method: clinical testing. Allele origin: germline.
Comment: This sequence change replaces lysine, which is basic and polar, with arginine, which is basic and polar, at codon 801 of the PLCG2 protein (p.Lys801Arg). This variant is not present in population databases (gnomAD no frequency). This variant has not been reported in the literature in individuals affected with PLCG2-related conditions. An algorithm developed to predict the effect of missense changes on protein structure and function (PolyPhen-2) suggests that this variant is likely to be tolerated. In summary, the available evidence is currently insufficient to determine the role of this variant in disease. Therefore, it has been classified as a Variant of Uncertain Significance.